The following is an entry in ClinVar:

NM_001386298.1(CIC):c.1878G>A (p.Ser626=)

Gene: CIC (capicua transcriptional repressor; plus strand). Cytogenetic location: 19q13.2.
Variant type: single nucleotide variant.
Coding change: c.1878G>A on transcript NM_001386298.1 (MANE Select); coding-DNA position 1878, G replaced by A.
Protein change: p.Ser626=; no amino-acid change (serine 626 retained).
Molecular consequence: synonymous variant.
Genome position (GRCh38, 1-based): chr19:42,273,661, G>A. VCF-style: chr19-42273661-G-A. GRCh37 (hg19) VCF-style: chr19-42777813-G-A.
Other names: c.1878G>A, p.Ser626= (NM_001304815.2, NM_001379480.1, NM_001379482.1).
Identifiers: ClinVar variation 3257032 (VCV003257032.17).

ClinVar aggregate classification (germline): Likely benign (1 of 4 stars; one submission).

Submission:

CeGaT Center for Human Genetics Tuebingen
Classification: Likely benign. Last evaluated: 2024-07-01. Review status: criteria provided, single submitter. Criteria: CeGaT Center For Human Genetics Tuebingen Variant Classification Criteria Version 2. Collection method: clinical testing. Allele origin: germline. Affected: yes. Observed: 1 variant allele.
Comment: CIC: BP4, BP7